The following is an entry in ClinVar:

ClinVar aggregate classification (germline): Uncertain significance (1 of 4 stars; one submission).

Allele frequency attached by ClinVar (database versions not stated): gnomAD exomes 0.00001.
gnomAD v4.1: 13 of 1,608,478 alleles (0.00081%); highest among the groups gnomAD compares: Non-Finnish European, 0.0011%; no homozygotes.

Submission:

Labcorp Genetics (formerly Invitae), Labcorp
Classification: Uncertain significance. Last evaluated: 2022-04-14. Review status: criteria provided, single submitter. Criteria: Invitae Variant Classification Sherloc (09022015). Collection method: clinical testing. Allele origin: germline.
Comment: This sequence change replaces serine, which is neutral and polar, with phenylalanine, which is neutral and non-polar, at codon 394 of the SOX4 protein (p.Ser394Phe). This variant is not present in population databases (gnomAD no frequency). This variant has not been reported in the literature in individuals affected with SOX4-related conditions. Algorithms developed to predict the effect of missense changes on protein structure and function are either unavailable or do not agree on the potential impact of this missense change (SIFT: "Deleterious"; PolyPhen-2: "Not Available"; Align-GVGD: "Class C15"). In summary, the available evidence is currently insufficient to determine the role of this variant in disease. Therefore, it has been classified as a Variant of Uncertain Significance.

NM_003107.3(SOX4):c.1181C>T (p.Ser394Phe)

Gene: SOX4 (SRY-box transcription factor 4; plus strand). Cytogenetic location: 6p22.3.
Variant type: single nucleotide variant.
Coding change: c.1181C>T on transcript NM_003107.3 (MANE Select); coding-DNA position 1181, C replaced by T.
Protein change: p.Ser394Phe; replaces serine 394 with phenylalanine.
Molecular consequence: missense variant.
Genome position (GRCh38, 1-based): chr6:21,595,715, C>T. VCF-style: chr6-21595715-C-T. GRCh37 (hg19) VCF-style: chr6-21595946-C-T.
Other names: short protein forms S394F.
Identifiers: ClinVar variation 2126133 (VCV002126133.4), dbSNP rs1353965720, ClinGen allele CA363272106.